The following is an entry in ClinVar:

ClinVar aggregate classification (germline): Pathogenic (1 of 4 stars; one submission).

Conditions:
Osteogenesis imperfecta type I (OI1). Also called: OI, TYPE I; OSTEOGENESIS IMPERFECTA TARDA; OSTEOGENESIS IMPERFECTA WITH BLUE SCLERAE; Lobstein's Disease; Classic Non-deforming Osteogenesis Imperfecta with Blue Sclerae; Lobstein disease. Identifiers: Orphanet 216796, Orphanet 666, MedGen C0023931, MONDO:0008146, OMIM 166200. Disease mechanism: loss of function.
Ehlers-Danlos syndrome, classic type, 1 (EDSCL1). Also called: Ehlers-Danlos Syndrome, Classic Type, COL5A1-Related; EDS I; Ehlers-Danlos syndrome, type 1; EHLERS-DANLOS SYNDROME, GRAVIS TYPE; EHLERS-DANLOS SYNDROME, SEVERE CLASSIC TYPE. Identifiers: MedGen C0268335, MONDO:0019567, OMIM 130000.

Submission:

Labcorp Genetics (formerly Invitae), Labcorp
Classification: Pathogenic for Osteogenesis imperfecta type I; Ehlers-Danlos syndrome, classic type, 1. Last evaluated: 2018-04-12. Review status: criteria provided, single submitter. Criteria: Invitae Variant Classification Sherloc (09022015). Collection method: clinical testing. Allele origin: germline.
Comment: This sequence change replaces glycine with serine at codon 841 of the COL1A2 protein (p.Gly841Ser). The glycine residue is highly conserved and there is a small physicochemical difference between glycine and serine. This variant is not present in population databases (ExAC no frequency). This variant has been reported to segregate in a family affected with¬†severe, progressively deforming osteogenesis imperfecta¬†¬†(PMID: 9099837). The variant is also known as p.Gly751Ser in the literature. Experimental studies have shown that this missense change affects the thermal stability of the collagen I and produces unstable collagen I (PMID: 9099837). Glycine residues within the Gly-Xaa-Yaa repeats of the triple helix domain are required for the structure and stability of fibrillar collagens (PMID: 7695699, 8218237, 19344236). In COL1A2, missense variants at these glycine residues are significantly enriched in individuals with disease (PMID: 9016532, 17078022) compared to the general population (ExAC). For these reasons, this variant has been classified as Pathogenic.

Literature cited by the submitters: PubMed 9099837; PubMed 7695699; PubMed 8218237; PubMed 19344236; PubMed 9016532; PubMed 17078022.

NM_000089.4(COL1A2):c.2521G>A (p.Gly841Ser)

Gene: COL1A2 (collagen type I alpha 2 chain; plus strand). Cytogenetic location: 7q21.3.
Variant type: single nucleotide variant.
Coding change: c.2521G>A on transcript NM_000089.4 (MANE Select); coding-DNA position 2521, G replaced by A.
Protein change: p.Gly841Ser; replaces glycine 841 with serine.
Molecular consequence: missense variant.
Genome position (GRCh38, 1-based): chr7:94,423,074, G>A. VCF-style: chr7-94423074-G-A. GRCh37 (hg19) VCF-style: chr7-94052386-G-A.
Other names: short protein forms G841S.
Identifiers: ClinVar variation 568053 (VCV000568053.3), dbSNP rs72658194, ClinGen allele CA162938043.